The following is an entry in ClinVar:

ClinVar aggregate classification (germline): Uncertain significance (1 of 4 stars; one submission).

Submission:

Labcorp Genetics (formerly Invitae), Labcorp
Classification: Uncertain significance. Last evaluated: 2022-07-21. Review status: criteria provided, single submitter. Criteria: Invitae Variant Classification Sherloc (09022015). Collection method: clinical testing. Allele origin: germline.
Comment: This sequence change replaces alanine, which is neutral and non-polar, with phenylalanine, which is neutral and non-polar, at codon 6 of the SLC9A3 protein (p.Ala6Phe). Information on the frequency of this variant in the gnomAD database is not available, as this variant may be reported differently in the database. This variant has not been reported in the literature in individuals affected with SLC9A3-related conditions. Experimental studies and prediction algorithms are not available or were not evaluated, and the functional significance of this variant is currently unknown. In summary, the available evidence is currently insufficient to determine the role of this variant in disease. Therefore, it has been classified as a Variant of Uncertain Significance.

NM_004174.4(SLC9A3):c.16_17delinsTT (p.Ala6Phe)

Gene: SLC9A3 (solute carrier family 9 member A3). Cytogenetic location: 5p15.33.
Variant type: Indel.
Coding change: c.16_17delinsTT on transcript NM_004174.4 (MANE Select); coding-DNA positions 16 to 17, the reference bases replaced by TT.
Protein change: p.Ala6Phe; replaces alanine 6 with phenylalanine.
Molecular consequence: missense variant.
Genome position: GRCh38 VCF-style: chr5-524306-GC-AA. GRCh37 (hg19) VCF-style: chr5-524421-GC-AA.
Other names: c.16_17delinsTT, p.Ala6Phe (NM_001284351.3); short protein forms A6F.
Identifiers: ClinVar variation 1983480 (VCV001983480.1), dbSNP rs2477761307, ClinGen allele CA2580073107.